The following is an entry in ClinVar:

ClinVar aggregate classification (germline): Benign. Review status: criteria provided, multiple submitters, no conflicts (2 of 4 stars). 7 submissions from 3 submitters: Benign (7). Last evaluated 2018-06-28.

Conditions:
Congenital myasthenic syndrome 16. Identifiers: Orphanet 590, MedGen C3280112, MONDO:0013620, OMIM 614198.
Paramyotonia congenita of Von Eulenburg. Also called: Paramyotonia Congenita; PARALYSIS PERIODICA PARAMYOTONICA; Eulenburg disease; Myotonia congenita intermittens; Von Eulenburg paramyotonia congenita. Identifiers: Orphanet 684, MedGen C0221055, MONDO:0008195, OMIM 168300. Disease mechanism: loss of function.
Hypokalemic periodic paralysis, type 2 (HOKPP2). Identifiers: Orphanet 681, MedGen C2750061, MONDO:0013234, OMIM 613345.
Hyperkalemic periodic paralysis. Also called: Familial hyperkalemic periodic paralysis; Gamstorp disease. Identifiers: Orphanet 682, MedGen C0238357, MONDO:0008224, OMIM 170500, HP:0007215.
Potassium-aggravated myotonia. Also called: Myotonia congenita, atypical, acetazolamide-responsive; MYOTONIA CONGENITA, ACETAZOLAMIDE-RESPONSIVE; MYOTONIA CONGENITA, ATYPICAL; SODIUM CHANNEL MUSCLE DISEASE. Identifiers: Orphanet 612, Orphanet 99734, Orphanet 99735, Orphanet 99736, MedGen C2931826, MONDO:0018959, OMIM 608390.

Allele frequency attached by ClinVar (database versions not stated): gnomAD exomes 0.00486; gnomAD 0.05774 and 0.05424; 1000 Genomes Project 0.06550; TOPMed 0.06135; 1000 Genomes Project 30x 0.06824.

Submissions (7):

GeneDx
Classification: Benign. Last evaluated: 2018-06-28. Review status: criteria provided, single submitter. Criteria: GeneDx Variant Classification Process June 2021. Collection method: clinical testing. Allele origin: germline. Affected: yes.

Illumina Laboratory Services, Illumina
Classification: Benign for Hypokalemic periodic paralysis, type 2. Last evaluated: 2018-01-13. Review status: criteria provided, single submitter. Criteria: ICSL Variant Classification Criteria 13 December 2019. Collection method: clinical testing. Allele origin: germline.
Comment: This variant was observed in the ICSL laboratory as part of a predisposition screen in an ostensibly healthy population. It had not been previously curated by ICSL or reported in the Human Gene Mutation Database (HGMD: prior to June 1st, 2018), and was therefore a candidate for classification through an automated scoring system. Utilizing variant allele frequency, disease prevalence and penetrance estimates, and inheritance mode, an automated score was calculated to assess if this variant is too frequent to cause the disease. Based on the score and internal cut-off values, a variant classified as benign is not then subjected to further curation. The score for this variant resulted in a classification of benign for this disease.

Illumina Laboratory Services, Illumina
Classification: Benign for Hyperkalemic periodic paralysis. Last evaluated: 2018-01-13. Review status: criteria provided, single submitter. Criteria: ICSL Variant Classification Criteria 13 December 2019. Collection method: clinical testing. Allele origin: germline.
Comment: the same text as in the submission from Illumina Laboratory Services, Illumina above.

Illumina Laboratory Services, Illumina
Classification: Benign for Congenital myasthenic syndrome 16. Last evaluated: 2018-01-13. Review status: criteria provided, single submitter. Criteria: ICSL Variant Classification Criteria 13 December 2019. Collection method: clinical testing. Allele origin: germline.
Comment: the same text as in the submission from Illumina Laboratory Services, Illumina above.

Illumina Laboratory Services, Illumina
Classification: Benign for Paramyotonia congenita of Von Eulenburg. Last evaluated: 2018-01-13. Review status: criteria provided, single submitter. Criteria: ICSL Variant Classification Criteria 13 December 2019. Collection method: clinical testing. Allele origin: germline.
Comment: the same text as in the submission from Illumina Laboratory Services, Illumina above.

Illumina Laboratory Services, Illumina
Classification: Benign for Potassium-aggravated myotonia. Last evaluated: 2018-01-13. Review status: criteria provided, single submitter. Criteria: ICSL Variant Classification Criteria 13 December 2019. Collection method: clinical testing. Allele origin: germline.
Comment: the same text as in the submission from Illumina Laboratory Services, Illumina above.

Breakthrough Genomics
Classification: Benign. Review status: criteria provided, single submitter. Criteria: ACMG Guidelines, 2015. Collection method: not provided. Allele origin: germline. Inheritance: Autosomal recessive inheritance. Affected: yes.

NM_000334.4(SCN4A):c.*122G>A

Genes: GH-LCR (growth hormone locus control region; plus strand), SCN4A (sodium voltage-gated channel alpha subunit 4; minus strand). Cytogenetic location: 17q23.3.
Variant type: single nucleotide variant.
Coding change: c.*122G>A on transcript NM_000334.4 (MANE Select); 122 bases downstream of the stop codon, G replaced by A.
Molecular consequence: 3 prime UTR variant.
Genome position (GRCh38, 1-based): chr17:63,940,649, C>T on the plus strand (G>A on the coding strand, the complement: SCN4A is on the minus strand). VCF-style: chr17-63940649-C-T. GRCh37 (hg19) VCF-style: chr17-62018009-C-T.
Identifiers: ClinVar variation 324502 (VCV000324502.8), dbSNP rs2228997, ClinGen allele CA10649801.